The following is an entry in ClinVar:

NM_001061.7(TBXAS1):c.229C>A (p.Leu77Met)

Gene: TBXAS1 (thromboxane A synthase 1; plus strand). Cytogenetic location: 7q34.
Variant type: single nucleotide variant.
Coding change: c.229C>A on transcript NM_001061.7 (MANE Select); coding-DNA position 229, C replaced by A.
Protein change: p.Leu77Met; replaces leucine 77 with methionine.
Molecular consequence: missense variant.
Genome position (GRCh38, 1-based): chr7:139,875,630, C>A. VCF-style: chr7-139875630-C-A. GRCh37 (hg19) VCF-style: chr7-139575429-C-A.
Other names: c.143C>A, p.Ser48Tyr (NM_001366537.3, NM_001314028.4); c.229C>A, p.Leu77Met (NM_001366538.2, NM_030984.6, NM_001130966.5 and 1 more transcripts); c.28C>A, p.Leu10Met (NM_001166254.4); short protein forms L10M, L77M, L78M, S48Y.
Identifiers: ClinVar variation 3609435 (VCV003609435.2).

ClinVar aggregate classification (germline): Uncertain significance (1 of 4 stars; one submission).

gnomAD v4.1: 2 of 1,612,432 alleles (0.00012%); highest among the groups gnomAD compares: Admixed American, 0.0017%; no homozygotes.

Submission:

Labcorp Genetics (formerly Invitae), Labcorp
Classification: Uncertain significance. Last evaluated: 2024-11-29. Review status: criteria provided, single submitter. Criteria: Invitae Variant Classification Sherloc (09022015). Collection method: clinical testing. Allele origin: germline.
Comment: This sequence change replaces leucine, which is neutral and non-polar, with methionine, which is neutral and non-polar, at codon 78 of the TBXAS1 protein (p.Leu78Met). This variant is present in population databases (no rsID available, gnomAD 0.003%). This variant has not been reported in the literature in individuals affected with TBXAS1-related conditions. An algorithm developed to predict the effect of missense changes on protein structure and function (PolyPhen-2) suggests that this variant is likely to be disruptive. In summary, the available evidence is currently insufficient to determine the role of this variant in disease. Therefore, it has been classified as a Variant of Uncertain Significance.